The following is an entry in ClinVar:

NM_033380.3(COL4A5):c.1588-6T>G

Gene: COL4A5 (collagen type IV alpha 5 chain; plus strand). Cytogenetic location: Xq22.3.
Variant type: single nucleotide variant.
Coding change: c.1588-6T>G on transcript NM_033380.3 (MANE Select); 6 bases into the intron before coding-DNA position 1588, T replaced by G.
Molecular consequence: intron variant.
Genome position (GRCh38, 1-based): chrX:108,597,371, T>G. VCF-style: chrX-108597371-T-G. GRCh37 (hg19) VCF-style: chrX-107840601-T-G.
Other names: c.1588-6T>G (NM_000495.5).
Identifiers: ClinVar variation 3597899 (VCV003597899.2).
Genomic context (GRCh38, chrX:108,597,371, plus strand): 5'-AACTGATTTTCTTTTTCTCTTTCTTCTTTTTCCACTCTTTTTTCTTTTTTTCCTTACTCA[T>G]TTCAGGGCATTCCAGGAGCTCCAGGTGCTCCAGGCTTTCCTGGATCTAAAGGTGAACCTG-3'

ClinVar aggregate classification (germline): Conflicting classifications of pathogenicity. Review status: criteria provided, conflicting classifications (1 of 4 stars). 2 submissions from 2 submitters: Likely pathogenic (1); Uncertain significance (1). Last evaluated 2026-04-17.

Conditions:
X-linked Alport syndrome (ATS1). Also called: COL4A5-Related Nephropathy; NEPHROPATHY AND DEAFNESS, X-LINKED. Identifiers: Orphanet 63, Orphanet 88917, MedGen C4746986, MONDO:0010520, OMIM 301050.

Submissions (2):

Myriad Genetics, Inc.
Classification: Uncertain significance for X-linked Alport syndrome. Last evaluated: 2026-04-17. Review status: criteria provided, single submitter. Criteria: Myriad Autosomal Dominant, Autosomal Recessive and X-Linked Classification Criteria (2023). Collection method: clinical testing. Allele origin: unknown.
Comment: NM_000495.4(COL4A5):c.1588-6T>G is an intronic variant classified as a variant of uncertain significance in the context of X-linked Alport syndrome. c.1588-6T>G has not been observed in cases with relevant disease. Relevant functional assessments of this variant are not available in the literature. c.1588-6T>G has not been observed in referenced population frequency databases. In summary, there is insufficient evidence to classify NM_000495.4(COL4A5):c.1588-6T>G as pathogenic or benign. Please note: this variant was assessed in the context of healthy population screening.

Fulgent Genetics
Classification: Likely pathogenic for X-linked Alport syndrome. Last evaluated: 2024-04-16. Review status: criteria provided, single submitter. Criteria: ACMG Guidelines, 2015. Collection method: clinical testing. Allele origin: germline.